The following is an entry in ClinVar:

ClinVar aggregate classification (germline): Pathogenic (1 of 4 stars; one submission).

Submission:

Labcorp Genetics (formerly Invitae), Labcorp
Classification: Pathogenic. Last evaluated: 2020-07-31. Review status: criteria provided, single submitter. Criteria: Invitae Variant Classification Sherloc (09022015). Collection method: clinical testing. Allele origin: germline.
Comment: For these reasons, this variant has been classified as Pathogenic. Loss-of-function variants in NSD1 are known to be pathogenic (PMID: 12464997, 14571271, 15942875, 16247291). Algorithms developed to predict the effect of sequence changes on RNA splicing suggest that this variant may create or strengthen a splice site, but this prediction has not been confirmed by published transcriptional studies. This variant has not been reported in the literature in individuals with NSD1-related conditions. This variant is not present in population databases (ExAC no frequency). This sequence change creates a premature translational stop signal (p.Cys1558Leufs*2) in the NSD1 gene. It is expected to result in an absent or disrupted protein product.

Literature cited by the submitters: PubMed 12464997; PubMed 14571271; PubMed 15942875; PubMed 16247291.

NM_022455.5(NSD1):c.4672dup (p.Cys1558fs)

Gene: NSD1 (nuclear receptor binding SET domain protein 1; plus strand). Cytogenetic location: 5q35.3.
Variant type: Duplication.
Coding change: c.4672dup on transcript NM_022455.5 (MANE Select); coding-DNA position 4672, one base duplicated (T; older notation c.4672dupT).
Protein change: p.Cys1558fs; shifts the reading frame from cysteine 1558.
Molecular consequence: frameshift variant.
Genome position (GRCh38, 1-based): chr5:177,251,760, T duplicated. VCF-style (leftmost placement, unchanged base first): chr5-177251759-A-AT. GRCh37 (hg19) VCF-style: chr5-176678760-A-AT.
Other names: c.3799dup, p.Cys1267Leufs (NM_001365684.2, NM_001409306.1, NM_001409307.1 and 3 more transcripts); c.4672dup, p.Cys1558Leufs (NM_001409301.1, NM_001409302.1, NM_001409303.1); c.4252dup, p.Cys1418Leufs (NM_001409304.1); c.3919dup, p.Cys1307Leufs (NM_001409305.1); short protein forms C1289fs, C1558fs.
Identifiers: ClinVar variation 1073231 (VCV001073231.7), dbSNP rs2149904428, ClinGen allele CA2499217784.